The following is an entry in ClinVar:

NM_000081.4(LYST):c.479A>G (p.Lys160Arg)

Gene: LYST (lysosomal trafficking regulator; minus strand). Cytogenetic location: 1q42.3.
Variant type: single nucleotide variant.
Coding change: c.479A>G on transcript NM_000081.4 (MANE Select); coding-DNA position 479, A replaced by G.
Protein change: p.Lys160Arg; replaces lysine 160 with arginine.
Molecular consequence: missense variant.
Genome position (GRCh38, 1-based): chr1:235,810,339, T>C on the plus strand (A>G on the coding strand, the complement: LYST is on the minus strand). VCF-style: chr1-235810339-T-C. GRCh37 (hg19) VCF-style: chr1-235973639-T-C.
Other names: c.479A>G, p.Lys160Arg (NM_001301365.1); short protein forms K160R.
Identifiers: ClinVar variation 1310034 (VCV001310034.2), dbSNP rs2102890869, ClinGen allele CA344965132.

ClinVar aggregate classification (germline): Uncertain significance (1 of 4 stars; one submission).

Submission:

GeneDx
Classification: Uncertain significance. Last evaluated: 2019-09-05. Review status: criteria provided, single submitter. Criteria: GeneDx Variant Classification Process June 2021. Collection method: clinical testing. Allele origin: germline. Affected: yes.
Comment: Not observed in large population cohorts (Lek et al., 2016); In silico analysis, which includes protein predictors and evolutionary conservation, supports that this variant does not alter protein structure/function; Has not been previously published as pathogenic or benign to our knowledge